The following is an entry in ClinVar:

NM_138368.5(AP5B1):c.2354T>C (p.Leu785Pro)

Gene: AP5B1 (adaptor related protein complex 5 subunit beta 1; minus strand). Cytogenetic location: 11q13.1.
Variant type: single nucleotide variant.
Coding change: c.2354T>C on transcript NM_138368.5 (MANE Select); coding-DNA position 2354, T replaced by C.
Protein change: p.Leu785Pro; replaces leucine 785 with proline.
Molecular consequence: missense variant.
Genome position (GRCh38, 1-based): chr11:65,778,139, A>G on the plus strand (T>C on the coding strand, the complement: AP5B1 is on the minus strand). VCF-style: chr11-65778139-A-G. GRCh37 (hg19) VCF-style: chr11-65545610-A-G.
Other names: NC_000011.9:g.65545610A>G I NP_612377.4:p.(Leu785Pro); short protein forms L785P.
Identifiers: ClinVar variation 4291111 (VCV004291111.2).

ClinVar aggregate classification (germline): Conflicting classifications of pathogenicity. Review status: criteria provided, conflicting classifications (1 of 4 stars). 2 submissions from 2 submitters: Pathogenic (1); Uncertain significance (1). Last evaluated 2026-06-01.

Conditions:
AP5B1-associated macular dystrophy.
Macular dystrophy with variable extraocular manifestations.

Submissions (2):

Ophthalmic Genetics Group, Institute of Molecular and Clinical Ophthalmology Basel
Classification: Pathogenic for Macular dystrophy with variable extraocular manifestations. Last evaluated: 2026-06-01. Review status: criteria provided, single submitter. Criteria: ACMG Guidelines, 2015. Collection method: research. Allele origin: germline. Affected: yes. Observed: 22 variant alleles.
Comment: This missense variant replaces a highly conserved leucine residue with proline at amino acid position 785 and is predicted to be deleterious by VEST4 and CADD. No effect on splicing is predicted. The variant has a relatively low population frequency in gnomAD v4.1, although it is enriched in individuals of European ancestry, and one homozygous individual is present in this database.It was previously been identified in 2 affected individuals from two families with macular dystrophy, once in homozygosis and once with another AP5B1 variant (PMID: 41830174). It was further identified in all 22 affected individuals from 20 families with predominantly late-onset macular dystrophy, either homozygously or in compound heterozygous state with another rare AP5B1 variant. Therefore, it was classified as Pathogenic based on ACMG/AMP criteria: PM3_very-strong, PP3_mod, PP4_sup.

Institute of Human Genetics, University of Leipzig Medical Center
Classification: Uncertain significance for AP5B1-associated macular dystrophy. Last evaluated: 2025-09-23. Review status: criteria provided, single submitter. Criteria: ACMG Guidelines, 2015. Collection method: clinical testing. Allele origin: unknown. Inheritance: Autosomal recessive inheritance. Affected: yes.
Comment: Criteria applied: PM3,PP3,PP4

Literature cited by the submitters: PubMed 41830174 (cited by Ophthalmic Genetics Group, Institute of Molecular and Clinical Ophthalmology Basel); PubMed 40081374 (cited by Institute of Human Genetics, University of Leipzig Medical Center).